The following is an entry in ClinVar:

ClinVar aggregate classification (germline): Benign/Likely benign. Review status: criteria provided, multiple submitters, no conflicts (2 of 4 stars). 5 submissions from 5 submitters: Benign (1); Likely benign (3). 1 of the submissions does not count toward it. Last evaluated 2025-12-12.

Conditions:
HSPD1-related disorder. Also called: HSPD1-related condition.
Spastic paraplegia. Identifiers: MedGen C0037772, HP:0001258.
Hereditary spastic paraplegia. Also called: Familial spastic paraparesis. Identifiers: Orphanet 685, MedGen C0037773, MONDO:0019064. Disease mechanism: loss of function.

Allele frequency attached by ClinVar (database versions not stated): gnomAD exomes 0.00013 and 0.00036; 1000 Genomes Project 30x 0.00047; ExAC 0.00048; 1000 Genomes Project 0.00060; gnomAD 0.00131 and 0.00143; TOPMed 0.00140; ESP Exome Variant Server 0.00177.
gnomAD v4.1: 326 of 1,152,982 alleles (0.028%); highest among the groups gnomAD compares: African/African-American, 0.46%; 1 homozygote.

Submissions (5):

Labcorp Genetics (formerly Invitae), Labcorp
Classification: Benign for Spastic paraplegia. Last evaluated: 2025-12-12. Review status: criteria provided, single submitter. Criteria: Invitae Variant Classification Sherloc (09022015). Collection method: clinical testing. Allele origin: germline.

Blueprint Genetics
Classification: Likely benign. Last evaluated: 2024-03-11. Review status: criteria provided, single submitter. Criteria: ACMG Guidelines, 2015. Collection method: clinical testing. Allele origin: germline.

Athena Diagnostics
Classification: Likely benign. Last evaluated: 2018-09-28. Review status: criteria provided, single submitter. Criteria: Athena Diagnostics Criteria. Collection method: clinical testing. Allele origin: germline.

Genome Diagnostics Laboratory, The Hospital for Sick Children
Classification: Likely benign for Hereditary spastic paraplegia. Last evaluated: 2017-02-13. Review status: criteria provided, single submitter. Criteria: ACMG Guidelines, 2015. Collection method: clinical testing. Allele origin: germline. Affected: yes.

PreventionGenetics, part of Exact Sciences
Classification: Likely benign for HSPD1-related condition. Last evaluated: 2019-06-24. Review status: no assertion criteria provided. Collection method: clinical testing. Allele origin: germline. Not counted in ClinVar's aggregate classification.
Comment: This variant is classified as likely benign based on ACMG/AMP sequence variant interpretation guidelines (Richards et al. 2015 PMID: 25741868, with internal and published modifications).

NM_002156.5(HSPD1):c.700+8C>T

Gene: HSPD1 (heat shock protein family D (Hsp60) member 1; minus strand). Cytogenetic location: 2q33.1.
Variant type: single nucleotide variant.
Coding change: c.700+8C>T on transcript NM_002156.5 (MANE Select); 8 bases into the intron after coding-DNA position 700, C replaced by T.
Molecular consequence: intron variant.
Genome position (GRCh38, 1-based): chr2:197,494,149, G>A on the plus strand (C>T on the coding strand, the complement: HSPD1 is on the minus strand). VCF-style: chr2-197494149-G-A. GRCh37 (hg19) VCF-style: chr2-198358873-G-A.
Other names: c.700+8C>T (NM_199440.2).
Identifiers: ClinVar variation 695547 (VCV000695547.18), dbSNP rs185384719, ClinGen allele CA2043537.